The following is an entry in ClinVar:

ClinVar aggregate classification (germline): Uncertain significance (1 of 4 stars; one submission).

Conditions:
Cardiomyopathy (CMYO). Also called: Cardiomyopathies. Identifiers: Orphanet 167848, MedGen C0878544, MONDO:0004994, HP:0001638. Inheritance: Various modes of inheritance.

gnomAD v4.1: 1 of 1,607,864 alleles (0.000062%); highest among the groups gnomAD compares: South Asian, 0.0011%; no homozygotes.

Submission:

Color Diagnostics, LLC DBA Color Health
Classification: Uncertain significance for Cardiomyopathy. Last evaluated: 2025-07-25. Review status: criteria provided, single submitter. Criteria: ACMG Guidelines, 2015. Collection method: clinical testing. Allele origin: germline.
Comment: This missense variant replaces aspartic acid with tyrosine at codon 2972 of the RYR2 protein. Computational prediction suggests that this variant may have deleterious impact on protein structure and function. To our knowledge, functional studies have not been reported for this variant. This variant has not been reported in individuals affected with RYR2-related disorders in the literature. This variant has not been identified in the general population by the Genome Aggregation Database (gnomAD). The available evidence is insufficient to determine the role of this variant in disease conclusively. Therefore, this variant is classified as a Variant of Uncertain Significance.

NM_001035.3(RYR2):c.8914G>T (p.Asp2972Tyr)

Gene: RYR2 (ryanodine receptor 2; plus strand). Cytogenetic location: 1q43.
Variant type: single nucleotide variant.
Coding change: c.8914G>T on transcript NM_001035.3 (MANE Select); coding-DNA position 8914, G replaced by T.
Protein change: p.Asp2972Tyr; replaces aspartic acid 2972 with tyrosine.
Molecular consequence: missense variant.
Genome position (GRCh38, 1-based): chr1:237,680,474, G>T. VCF-style: chr1-237680474-G-T. GRCh37 (hg19) VCF-style: chr1-237843774-G-T.
Other names: short protein forms D2972Y.
Identifiers: ClinVar variation 4759091 (VCV004759091.1).
Genomic context (GRCh38, chr1:237,680,474, plus strand): 5'-AGATTCCACTACGTAGATCTGTCTTCTTTTCCTTTCTTTCAGGTCGTTCTTCCTTTAATT[G>T]ATCAGTATTTCAAAAACCATCGTTTATACTTCTTATCTGCAGCAAGCAGACCTCTCTGCT-3'
Protein context (NP_001026.2, residues 2962-2982): FFAKVVLPLI[Asp2972Tyr]QYFKNHRLYF